The following is an entry in ClinVar:

NM_006231.4(POLE):c.1991A>C (p.Gln664Pro)

Gene: POLE (DNA polymerase epsilon, catalytic subunit; minus strand). Cytogenetic location: 12q24.33.
Variant type: single nucleotide variant.
Coding change: c.1991A>C on transcript NM_006231.4 (MANE Select); coding-DNA position 1991, A replaced by C.
Protein change: p.Gln664Pro; replaces glutamine 664 with proline.
Molecular consequence: missense variant.
Genome position (GRCh38, 1-based): chr12:132,668,670, T>G on the plus strand (A>C on the coding strand, the complement: POLE is on the minus strand). VCF-style: chr12-132668670-T-G. GRCh37 (hg19) VCF-style: chr12-133245256-T-G.
Other names: c.1991A>C (NM_006231.2); short protein forms Q664P.
Identifiers: ClinVar variation 1060460 (VCV001060460.11), dbSNP rs1401873092, ClinGen allele CA387354873.

ClinVar aggregate classification (germline): Uncertain significance. Review status: criteria provided, multiple submitters, no conflicts (2 of 4 stars). 3 submissions from 3 submitters: Uncertain significance (3). Last evaluated 2025-03-05.

Conditions:
Colorectal cancer, susceptibility to, 12 (CRCS12). Also called: COLORECTAL CANCER, SUSCEPTIBILITY TO, ON CHROMOSOME 12q24. Identifiers: Orphanet 220460, MedGen C3554460, MONDO:0014038, OMIM 615083.
Facial dysmorphism-immunodeficiency-livedo-short stature syndrome. Also called: FILS syndrome; Facial dysmorphism, immunodeficiency, livedo, and short stature. Identifiers: Orphanet 352712, MedGen C3554576, MONDO:0014058, OMIM 615139.
Intrauterine growth retardation, metaphyseal dysplasia, adrenal hypoplasia congenita, genital anomalies, and immunodeficiency. Also called: IMAGEI SYNDROME. Identifiers: MedGen C5193036, MONDO:0032684, OMIM 618336.
Hereditary cancer-predisposing syndrome. Also called: Neoplastic Syndromes, Hereditary; Hereditary Cancer Syndrome; Hereditary neoplastic syndrome; Tumor predisposition. Identifiers: Orphanet 140162, MedGen C0027672, MeSH D009386, MONDO:0015356.

Allele frequency attached by ClinVar (database versions not stated): gnomAD exomes below 0.00001.
gnomAD v4.1: 2 of 1,613,758 alleles (0.00012%); highest among the groups gnomAD compares: Non-Finnish European, 0.00017%; no homozygotes.

Submissions (3):

Ambry Genetics
Classification: Uncertain significance for Hereditary cancer-predisposing syndrome. Last evaluated: 2025-03-05. Review status: criteria provided, single submitter. Criteria: Ambry Variant Classification Scheme 2023. Collection method: clinical testing. Allele origin: germline.
Comment: The p.Q664P variant (also known as c.1991A>C), located in coding exon 18 of the POLE gene, results from an A to C substitution at nucleotide position 1991. The glutamine at codon 664 is replaced by proline, an amino acid with similar properties. This amino acid position is highly conserved in available vertebrate species. In addition, the in silico prediction for this alteration is inconclusive. Based on the available evidence, the clinical significance of this variant remains unclear.

Fulgent Genetics
Classification: Uncertain significance for Colorectal cancer, susceptibility to, 12; Facial dysmorphism-immunodeficiency-livedo-short stature syndrome; Intrauterine growth retardation, metaphyseal dysplasia, adrenal hypoplasia congenita, genital anomalies, and immunodeficiency. Last evaluated: 2024-03-10. Review status: criteria provided, single submitter. Criteria: ACMG Guidelines, 2015. Collection method: clinical testing. Allele origin: germline.

Labcorp Genetics (formerly Invitae), Labcorp
Classification: Uncertain significance. Last evaluated: 2023-10-28. Review status: criteria provided, single submitter. Criteria: Invitae Variant Classification Sherloc (09022015). Collection method: clinical testing. Allele origin: germline.
Comment: This sequence change replaces glutamine, which is neutral and polar, with proline, which is neutral and non-polar, at codon 664 of the POLE protein (p.Gln664Pro). This variant is present in population databases (no rsID available, gnomAD 0.0009%). This variant has not been reported in the literature in individuals affected with POLE-related conditions. Advanced modeling of protein sequence and biophysical properties (such as structural, functional, and spatial information, amino acid conservation, physicochemical variation, residue mobility, and thermodynamic stability) performed at Invitae indicates that this missense variant is expected to disrupt POLE protein function with a positive predictive value of 80%. In summary, the available evidence is currently insufficient to determine the role of this variant in disease. Therefore, it has been classified as a Variant of Uncertain Significance.